The following is an entry in ClinVar:

NM_002834.5(PTPN11):c.652A>T (p.Thr218Ser)

Gene: PTPN11 (protein tyrosine phosphatase non-receptor type 11; plus strand). Cytogenetic location: 12q24.13.
Variant type: single nucleotide variant.
Coding change: c.652A>T on transcript NM_002834.5 (MANE Select); coding-DNA position 652, A replaced by T.
Protein change: p.Thr218Ser; replaces threonine 218 with serine.
Molecular consequence: missense variant.
Genome position (GRCh38, 1-based): chr12:112,455,959, A>T. VCF-style: chr12-112455959-A-T. GRCh37 (hg19) VCF-style: chr12-112893763-A-T.
Other names: c.652A>T, p.Thr218Ser (NM_001330437.2, NM_080601.3); c.649A>T, p.Thr217Ser (NM_001374625.1); short protein forms T218S, T217S.
Identifiers: ClinVar variation 496184 (VCV000496184.7), dbSNP rs768555552, ClinGen allele CA386783890.

ClinVar aggregate classification (germline): Uncertain significance. Review status: criteria provided, multiple submitters, no conflicts (2 of 4 stars). 3 submissions from 3 submitters: Uncertain significance (3). Last evaluated 2024-05-13.

Conditions:
RASopathy. Also called: rasopathies; Noonan spectrum disorder. Identifiers: Orphanet 536391, MedGen C5555857, MONDO:0021060.

Allele frequency attached by ClinVar (database versions not stated): TOPMed below 0.00001; gnomAD 0.00001.
gnomAD v4.1: 1 of 1,603,392 alleles (0.000062%); highest among the groups gnomAD compares: African/African-American, 0.0013%; no homozygotes.

Submissions (3):

Blueprint Genetics
Classification: Uncertain significance. Last evaluated: 2024-05-13. Review status: criteria provided, single submitter. Criteria: ACMG Guidelines, 2015. Collection method: clinical testing. Allele origin: germline.

Labcorp Genetics (formerly Invitae), Labcorp
Classification: Uncertain significance for RASopathy. Last evaluated: 2022-10-17. Review status: criteria provided, single submitter. Criteria: Invitae Variant Classification Sherloc (09022015). Collection method: clinical testing. Allele origin: germline.
Comment: In summary, the available evidence is currently insufficient to determine the role of this variant in disease. Therefore, it has been classified as a Variant of Uncertain Significance. Algorithms developed to predict the effect of missense changes on protein structure and function (SIFT, PolyPhen-2, Align-GVGD) all suggest that this variant is likely to be tolerated. ClinVar contains an entry for this variant (Variation ID: 496184). This variant has not been reported in the literature in individuals affected with PTPN11-related conditions. This variant is not present in population databases (gnomAD no frequency). This sequence change replaces threonine, which is neutral and polar, with serine, which is neutral and polar, at codon 218 of the PTPN11 protein (p.Thr218Ser).

Women's Health and Genetics/Laboratory Corporation of America, LabCorp
Classification: Uncertain significance. Last evaluated: 2017-07-31. Review status: criteria provided, single submitter. Criteria: LabCorp Variant Classification Summary - May 2015. Collection method: clinical testing. Allele origin: germline.
Comment: Variant summary: The PTPN11 c.652A>T (p.Thr218Ser) variant involves the alteration of a conserved nucleotide. 3/4 in silico tools predict a benign outcome for this variant (SNPsandGO not captured due to low reliability index). This variant is absent from 121030 control chromosomes in ExAC dataset. The variant of interest has not, to our knowledge, been reported in affected individuals via publications and/or reputable databases/clinical diagnostic laboratories nor has it been evaluated for functional impact by in vivo/vitro studies. Due to the absence of clinical information and lack of functional studies, the variant is classified as a variant of uncertain significance (VUS) until additional information becomes available.